The following is an entry in ClinVar:

NM_018896.5(CACNA1G):c.2144G>A (p.Ser715Asn)

Gene: CACNA1G (calcium voltage-gated channel subunit alpha1 G; plus strand). Cytogenetic location: 17q21.33.
Variant type: single nucleotide variant.
Coding change: c.2144G>A on transcript NM_018896.5 (MANE Select); coding-DNA position 2144, G replaced by A.
Protein change: p.Ser715Asn; replaces serine 715 with asparagine.
Molecular consequence: missense variant. On other transcripts: non-coding transcript variant (5).
Genome position (GRCh38, 1-based): chr17:50,578,407, G>A. VCF-style: chr17-50578407-G-A. GRCh37 (hg19) VCF-style: chr17-48655768-G-A.
Other names: c.2144G>A, p.Ser715Asn (NM_001256324.2, NM_001256325.2, NM_001256326.2 and 24 more transcripts); short protein forms S715N.
Identifiers: ClinVar variation 1803383 (VCV001803383.1), dbSNP rs181244511, ClinGen allele CA291601445.

ClinVar aggregate classification (germline): Uncertain significance (1 of 4 stars; one submission).

gnomAD v4.1: 1 of 1,613,358 alleles (0.000062%); no homozygotes.

Submission:

GeneDx
Classification: Uncertain significance. Last evaluated: 2022-06-08. Review status: criteria provided, single submitter. Criteria: GeneDx Variant Classification Process June 2021. Collection method: clinical testing. Allele origin: germline. Affected: yes.
Comment: Not observed at significant frequency in large population cohorts (gnomAD); In silico analysis supports that this missense variant does not alter protein structure/function; Has not been previously published as pathogenic or benign to our knowledge